The following is an entry in ClinVar:

NM_001388492.1(HTT):c.54GCA[18] (p.Gln38del)

Genes: HTT (huntingtin; plus strand), LOC109461479 (huntingtin repeat instability region; plus strand), LOC129929027 (ATAC-STARR-seq lymphoblastoid silent region 15199; plus strand). Cytogenetic location: 4p16.3.
Variant type: Deletion.
Coding change: c.54GCA[18] on transcript NM_001388492.1 (MANE Select); 18 copies in a row of the 3-base unit GCA starting at c.54.
Protein change: p.Gln38del; deletes glutamine 38.
Molecular consequence: inframe deletion. On other transcripts: frameshift variant (1).
Genome position: GRCh38 VCF-style: chr4-3074926-AGCAG-A. GRCh37 (hg19) VCF-style: chr4-3076653-AGCAG-A.
Other names: NM_002111.6:c.102_105delGCAG; c.108_111del, p.Gln36fs (NM_002111.8); short protein forms Q36fs, Q38del.
Identifiers: ClinVar variation 402953 (VCV000402953.4), dbSNP rs754481229, ClinGen allele CA2823110.

ClinVar aggregate classification (germline): Benign (1 of 4 stars; one submission).

Allele frequency attached by ClinVar (database versions not stated): gnomAD exomes 0.00741; ExAC 0.01390; gnomAD 0.01609 and 0.01614.

Submission:

Laboratory for Molecular Medicine, Mass General Brigham Personalized Medicine
Classification: Benign. Last evaluated: 2016-03-28. Review status: criteria provided, single submitter. Criteria: LMM Criteria. Collection method: clinical testing. Allele origin: germline.
Comment: Variant identified in a genome or exome case(s) and assessed due to predicted null impact of the variant or pathogenic assertions in the literature or databases. Disclaimer: This variant has not undergone full assessment. The following are preliminary notes: To date, only repeat expansions in this gene are known to be implicated in disease